The following is an entry in ClinVar:

NM_182914.3(SYNE2):c.28G>C (p.Glu10Gln)

Gene: SYNE2 (spectrin repeat containing nuclear envelope protein 2; plus strand). Cytogenetic location: 14q23.2.
Variant type: single nucleotide variant.
Coding change: c.28G>C on transcript NM_182914.3 (MANE Select); coding-DNA position 28, G replaced by C.
Protein change: p.Glu10Gln; replaces glutamic acid 10 with glutamine.
Molecular consequence: missense variant.
Genome position (GRCh38, 1-based): chr14:63,909,176, G>C. VCF-style: chr14-63909176-G-C. GRCh37 (hg19) VCF-style: chr14-64375894-G-C.
Other names: c.28G>C, p.Glu10Gln (NM_015180.6); short protein forms E10Q.
Identifiers: ClinVar variation 858479 (VCV000858479.10), dbSNP rs781375790, ClinGen allele CA389934718.

ClinVar aggregate classification (germline): Uncertain significance (1 of 4 stars; one submission).

Conditions:
Emery-Dreifuss muscular dystrophy 5, autosomal dominant (EDMD5). Also called: EMERY-DREIFUSS MUSCULAR DYSTROPHY 5. Identifiers: Orphanet 261, MedGen C2751805, MONDO:0013072, OMIM 612999.

Allele frequency attached by ClinVar (database versions not stated): TOPMed below 0.00001.

Submission:

Labcorp Genetics (formerly Invitae), Labcorp
Classification: Uncertain significance for Emery-Dreifuss muscular dystrophy 5, autosomal dominant. Last evaluated: 2019-12-18. Review status: criteria provided, single submitter. Criteria: Invitae Variant Classification Sherloc (09022015). Collection method: clinical testing. Allele origin: germline.
Comment: This variant is not present in population databases (ExAC no frequency). In summary, the available evidence is currently insufficient to determine the role of this variant in disease. Therefore, it has been classified as a Variant of Uncertain Significance. Algorithms developed to predict the effect of missense changes on protein structure and function are either unavailable or do not agree on the potential impact of this missense change (SIFT: "Tolerated"; PolyPhen-2: "Possibly Damaging"; Align-GVGD: "Class C0"). This variant has not been reported in the literature in individuals with SYNE2-related conditions. This sequence change replaces glutamic acid with glutamine at codon 10 of the SYNE2 protein (p.Glu10Gln). The glutamic acid residue is weakly conserved and there is a small physicochemical difference between glutamic acid and glutamine.